The following is an entry in ClinVar:

NM_000435.3(NOTCH3):c.4910C>T (p.Pro1637Leu)

Gene: NOTCH3 (notch receptor 3; minus strand). Cytogenetic location: 19p13.12.
Variant type: single nucleotide variant.
Coding change: c.4910C>T on transcript NM_000435.3 (MANE Select); coding-DNA position 4910, C replaced by T.
Protein change: p.Pro1637Leu; replaces proline 1637 with leucine.
Molecular consequence: missense variant.
Genome position (GRCh38, 1-based): chr19:15,170,535, G>A on the plus strand (C>T on the coding strand, the complement: NOTCH3 is on the minus strand). VCF-style: chr19-15170535-G-A. GRCh37 (hg19) VCF-style: chr19-15281346-G-A.
Other names: short protein forms P1637L.
Identifiers: ClinVar variation 4847692 (VCV004847692.1).
Genomic context (GRCh38, chr19:15,170,535, plus strand): 5'-ATGACCAGCAGCAAGACAGCGCCCGCCACTAGCAGTGGCAGCAGCGGGACGCTGGGTTCT[G>A]GAGGCTCCAGCGGCTCCCCTAAGAGCAGGAAGCAGAGGGCGGGGCTTCAGCCGAGGGCGG-3'
Protein context (NP_000426.2, residues 1627-1647): RDVRGEPLEP[Pro1637Leu]EPSVPLLPLL

ClinVar aggregate classification (germline): Uncertain significance (1 of 4 stars; one submission).

gnomAD v4.1: 14 of 1,609,716 alleles (0.00087%); highest among the groups gnomAD compares: Middle Eastern, 0.016%; no homozygotes.

Submission:

Women's Health and Genetics/Laboratory Corporation of America, LabCorp
Classification: Uncertain significance. Last evaluated: 2026-03-25. Review status: criteria provided, single submitter. Criteria: LabCorp Variant Classification Summary - May 2015. Collection method: clinical testing. Allele origin: germline.
Comment: Variant summary: NOTCH3 c.4910C>T (p.Pro1637Leu) results in a non-conservative amino acid change in the encoded protein sequence. Algorithms developed to predict the effect of missense changes on protein structure and function are either unavailable or do not agree on the potential impact of this missense change. The variant allele was found at a frequency of 3.3e-05 in 239178 control chromosomes. The available data on variant occurrences in the general population are insufficient to allow any conclusion about variant significance. To our knowledge, no occurrence of c.4910C>T in individuals affected with NOTCH3-related conditions and no experimental evidence demonstrating its impact on protein function have been reported. No submitters have cited clinical-significance assessments for this variant to ClinVar. Based on the evidence outlined above, the variant was classified as uncertain significance.